The following is an entry in ClinVar:

NM_006031.6(PCNT):c.1519C>G (p.Arg507Gly)

Gene: PCNT (pericentrin; plus strand). Cytogenetic location: 21q22.3.
Variant type: single nucleotide variant.
Coding change: c.1519C>G on transcript NM_006031.6 (MANE Select); coding-DNA position 1519, C replaced by G.
Protein change: p.Arg507Gly; replaces arginine 507 with glycine.
Molecular consequence: missense variant.
Genome position (GRCh38, 1-based): chr21:46,353,166, C>G. VCF-style: chr21-46353166-C-G. GRCh37 (hg19) VCF-style: chr21-47773080-C-G.
Other names: c.1165C>G, p.Arg389Gly (NM_001315529.2); short protein forms R507G, R389G.
Identifiers: ClinVar variation 385865 (VCV000385865.22), dbSNP rs138036524, ClinGen allele CA10078656.

ClinVar aggregate classification (germline): Likely benign. Review status: criteria provided, multiple submitters, no conflicts (2 of 4 stars). 9 submissions from 9 submitters: Likely benign (6). 3 of the submissions do not count toward it. Last evaluated 2026-01-25.

Conditions:
PCNT-related disorder. Also called: PCNT-related condition.
Microcephalic osteodysplastic primordial dwarfism type II (MOPD2). Also called: Microcephalic osteodysplastic primordial dwarfism with tooth abnormalities; OSTEODYSPLASTIC PRIMORDIAL DWARFISM, TYPE II; MOPD II. Identifiers: Orphanet 2637, MedGen C0432246, MONDO:0008872, OMIM 210720.

Allele frequency attached by ClinVar (database versions not stated): ExAC 0.00049; 1000 Genomes Project 30x 0.00094; 1000 Genomes Project 0.00100; ESP Exome Variant Server 0.00115; gnomAD 0.00151 and 0.00165; TOPMed 0.00159; gnomAD exomes 0.00040.
gnomAD v4.1: 455 of 1,614,026 alleles (0.028%); highest among the groups gnomAD compares: African/African-American, 0.52%; 1 homozygote.

Submissions (9):

Labcorp Genetics (formerly Invitae), Labcorp
Classification: Likely benign. Last evaluated: 2026-01-25. Review status: criteria provided, single submitter. Criteria: Invitae Variant Classification Sherloc (09022015). Collection method: clinical testing. Allele origin: germline.

CeGaT Center for Human Genetics Tuebingen
Classification: Likely benign. Last evaluated: 2026-01-01. Review status: criteria provided, single submitter. Criteria: CeGaT Center For Human Genetics Tuebingen Variant Classification Criteria Version 2. Collection method: clinical testing. Allele origin: germline. Affected: yes. Observed: 1 variant allele.
Comment: PCNT: BP4

ARUP Laboratories, Molecular Genetics and Genomics, ARUP Laboratories
Classification: Likely benign for Microcephalic osteodysplastic primordial dwarfism type II. Last evaluated: 2022-04-05. Review status: criteria provided, single submitter. Criteria: ARUP Molecular Germline Variant Investigation Process 2021. Collection method: clinical testing. Allele origin: germline.

Fulgent Genetics
Classification: Likely benign for Microcephalic osteodysplastic primordial dwarfism type II. Last evaluated: 2021-08-19. Review status: criteria provided, single submitter. Criteria: ACMG Guidelines, 2015. Collection method: clinical testing. Allele origin: unknown.

Illumina Laboratory Services, Illumina
Classification: Likely benign for Microcephalic osteodysplastic primordial dwarfism type II. Last evaluated: 2018-01-12. Review status: criteria provided, single submitter. Criteria: ICSL Variant Classification Criteria 13 December 2019. Collection method: clinical testing. Allele origin: germline.
Comment: This variant was observed in the ICSL laboratory as part of a predisposition screen in an ostensibly healthy population. It had not been previously curated by ICSL or reported in the Human Gene Mutation Database (HGMD: prior to June 1st, 2018), and was therefore a candidate for classification through an automated scoring system. Utilizing variant allele frequency, disease prevalence and penetrance estimates, and inheritance mode, an automated score was calculated to assess if this variant is too frequent to cause the disease. Based on the score and internal cut-off values, a variant classified as likely benign is not then subjected to further curation. The score for this variant resulted in a classification of likely benign for this disease.

GeneDx
Classification: Likely benign. Last evaluated: 2017-05-03. Review status: criteria provided, single submitter. Criteria: GeneDx Variant Classification (06012015). Collection method: clinical testing. Allele origin: germline. Affected: yes.
Comment: This variant is considered likely benign or benign based on one or more of the following criteria: it is a conservative change, it occurs at a poorly conserved position in the protein, it is predicted to be benign by multiple in silico algorithms, and/or has population frequency not consistent with disease.

PreventionGenetics, part of Exact Sciences
Classification: Likely benign for PCNT-related condition. Last evaluated: 2020-03-12. Review status: no assertion criteria provided. Collection method: clinical testing. Allele origin: germline. Not counted in ClinVar's aggregate classification.
Comment: This variant is classified as likely benign based on ACMG/AMP sequence variant interpretation guidelines (Richards et al. 2015 PMID: 25741868, with internal and published modifications).

Clinical Genetics DNA and cytogenetics Diagnostics Lab, Erasmus MC, Erasmus Medical Center
Classification: Likely benign. Review status: no assertion criteria provided. Collection method: clinical testing. Allele origin: germline. Affected: yes. Study: VKGL Data-share Consensus. Not counted in ClinVar's aggregate classification.

Diagnostic Laboratory, Department of Genetics, University Medical Center Groningen
Classification: Likely benign. Review status: no assertion criteria provided. Collection method: clinical testing. Allele origin: germline. Affected: yes. Study: VKGL Data-share Consensus. Not counted in ClinVar's aggregate classification.